The following is an entry in ClinVar:

NM_002336.3(LRP6):c.2182C>T (p.Arg728Ter)

Gene: LRP6 (LDL receptor related protein 6; minus strand). Cytogenetic location: 12p13.2.
Variant type: single nucleotide variant.
Coding change: c.2182C>T on transcript NM_002336.3 (MANE Select); coding-DNA position 2182, C replaced by T.
Protein change: p.Arg728Ter; replaces arginine 728 with a stop codon.
Molecular consequence: nonsense.
Genome position (GRCh38, 1-based): chr12:12,162,290, G>A on the plus strand (C>T on the coding strand, the complement: LRP6 is on the minus strand). VCF-style: chr12-12162290-G-A. GRCh37 (hg19) VCF-style: chr12-12315224-G-A.
Other names: short protein forms R728*.
Identifiers: ClinVar variation 1694660 (VCV001694660.33), dbSNP rs1202176045, ClinGen allele CA383945557.

ClinVar aggregate classification (germline): Pathogenic. Review status: criteria provided, multiple submitters, no conflicts (2 of 4 stars). 2 submissions from 2 submitters: Pathogenic (2). Last evaluated 2024-08-12.

Allele frequency attached by ClinVar (database versions not stated): gnomAD exomes below 0.00001.
gnomAD v4.1: 2 of 1,614,110 alleles (0.00012%); highest among the groups gnomAD compares: Non-Finnish European, 0.00017%; no homozygotes.

Submissions (2):

Labcorp Genetics (formerly Invitae), Labcorp
Classification: Pathogenic. Last evaluated: 2024-08-12. Review status: criteria provided, single submitter. Criteria: Invitae Variant Classification Sherloc (09022015). Collection method: clinical testing. Allele origin: germline.
Comment: This sequence change creates a premature translational stop signal (p.Arg728*) in the LRP6 gene. It is expected to result in an absent or disrupted protein product. Loss-of-function variants in LRP6 are known to be pathogenic (PMID: 26387593). This variant is present in population databases (no rsID available, gnomAD 0.0009%). This variant has not been reported in the literature in individuals affected with LRP6-related conditions. ClinVar contains an entry for this variant (Variation ID: 1694660). For these reasons, this variant has been classified as Pathogenic.

CeGaT Center for Human Genetics Tuebingen
Classification: Pathogenic. Last evaluated: 2022-04-01. Review status: criteria provided, single submitter. Criteria: CeGaT Center For Human Genetics Tuebingen Variant Classification Criteria Version 2. Collection method: clinical testing. Allele origin: germline. Affected: yes. Observed: 1 variant allele.
Comment: LRP6: PVS1, PM2

Literature cited by the submitters: PubMed 26387593 (cited by Labcorp Genetics (formerly Invitae), Labcorp).